The following is an entry in ClinVar:

ClinVar aggregate classification (germline): Likely pathogenic (1 of 4 stars; one submission).

Conditions:
Familial focal epilepsy with variable foci (FPEVF). Identifiers: Orphanet 98820, MedGen C1858477, MONDO:0020310.

Submission:

Labcorp Genetics (formerly Invitae), Labcorp
Classification: Likely pathogenic for Familial focal epilepsy with variable foci. Last evaluated: 2024-03-05. Review status: criteria provided, single submitter. Criteria: Invitae Variant Classification Sherloc (09022015). Collection method: clinical testing. Allele origin: germline.
Comment: This variant results in the deletion of part of exon 30 (c.3021_3021+1delinsCT) of the DEPDC5 gene. It is expected to disrupt RNA splicing. Variants that disrupt the donor or acceptor splice site typically lead to a loss of protein function (PMID: 16199547), and loss-of-function variants in DEPDC5 are known to be pathogenic (PMID: 23542697, 23542701). Information on the frequency of this variant in the gnomAD database is not available, as this variant may be reported differently in the database. This variant has not been reported in the literature in individuals affected with DEPDC5-related conditions. In summary, the currently available evidence indicates that the variant is pathogenic, but additional data are needed to prove that conclusively. Therefore, this variant has been classified as Likely Pathogenic.

Literature cited by the submitters: PubMed 16199547; PubMed 23542697; PubMed 23542701.

NM_001242896.3(DEPDC5):c.3021_3021+1delinsCT

Gene: DEPDC5 (DEP domain containing 5, GATOR1 subcomplex subunit; plus strand). Cytogenetic location: 22q12.3.
Variant type: Indel.
Coding change: c.3021_3021+1delinsCT on transcript NM_001242896.3 (MANE Select); coding-DNA position 3021 through the canonical splice donor site of the intron after coding-DNA position 3021, GG replaced by CT.
Molecular consequence: splice donor variant.
Genome position (GRCh38, 1-based): chr22:31,845,237-31,845,238, GG replaced by CT. VCF-style: chr22-31845237-GG-CT. GRCh37 (hg19) VCF-style: chr22-32241223-GG-CT.
Other names: c.2994_2994+1delinsCT (NM_014662.6, NM_001369903.1, NM_001136029.4); c.3021_3021+1delinsCT (NM_001363852.2, NM_001364320.2, NM_001364318.2); c.2787_2787+1delinsCT (NM_001363854.2, NM_001242897.2, NM_001364319.2); c.2937_2937+1delinsCT (NM_001369902.1, NM_001369901.1).
Identifiers: ClinVar variation 3644558 (VCV003644558.2).